The following is an entry in ClinVar:

NM_000059.4(BRCA2):c.8572C>A (p.Gln2858Lys)

Gene: BRCA2 (BRCA2 DNA repair associated; plus strand). Cytogenetic location: 13q13.1.
Variant type: single nucleotide variant.
Coding change: c.8572C>A on transcript NM_000059.4 (MANE Select); coding-DNA position 8572, C replaced by A.
Protein change: p.Gln2858Lys; replaces glutamine 2858 with lysine.
Molecular consequence: missense variant.
Genome position (GRCh38, 1-based): chr13:32,371,040, C>A. VCF-style: chr13-32371040-C-A. GRCh37 (hg19) VCF-style: chr13-32945177-C-A.
Other names: p.Q2858K:CAA>AAA; short protein forms Q2858K.
Identifiers: ClinVar variation 52623 (VCV000052623.33), dbSNP rs80359112, ClinGen allele CA025715.

ClinVar aggregate classification (germline): Conflicting classifications of pathogenicity. Review status: criteria provided, conflicting classifications (1 of 4 stars). 11 submissions from 11 submitters: Uncertain significance (4); Benign (1); Likely benign (4). 2 of the submissions do not count toward it. Last evaluated 2026-11-02.

Conditions:
Inherited breast cancer and ovarian cancer.
BRCA2-related cancer predisposition. Identifiers: MedGen CN377758, MONDO:0700269.
Hereditary cancer-predisposing syndrome. Also called: Hereditary Cancer Syndrome; Neoplastic Syndromes, Hereditary; Hereditary neoplastic syndrome; Tumor predisposition. Identifiers: Orphanet 140162, MedGen C0027672, MeSH D009386, MONDO:0015356.
Hereditary breast ovarian cancer syndrome. Also called: Breast and ovarian cancer; Hereditary breast and ovarian cancer syndrome; Hereditary breast and ovarian cancer syndrome (HBOC); BRCA1- and BRCA2-Associated Hereditary Breast and Ovarian Cancer; Hereditary breast and ovarian cancer; Hereditary breast and/or ovarian cancer syndrome. Identifiers: Orphanet 145, MedGen C0677776, MeSH D061325, MONDO:0003582. Disease mechanism: loss of function.
Breast-ovarian cancer, familial, susceptibility to, 2 (BROVCA2). Also called: BRCA2 Hereditary Breast and Ovarian Cancer. Identifiers: Orphanet 145, MedGen C2675520, MONDO:0012933, OMIM 612555. Disease mechanism: loss of function.
Familial cancer of breast. Also called: hereditary breast carcinoma; Hereditary breast cancer; BREAST CANCER, FAMILIAL. Identifiers: Orphanet 227535, MedGen C0346153, MONDO:0016419, OMIM 114480. Disease mechanism: loss of function.

Allele frequency attached by ClinVar (database versions not stated): gnomAD exomes below 0.00001 and 0.00002; TOPMed 0.00001.
gnomAD v4.1: 30 of 1,613,808 alleles (0.0019%); highest among the groups gnomAD compares: Non-Finnish European, 0.0025%; no homozygotes.

Submissions (11):

Cambridge Genomics Laboratory, East Genomic Laboratory Hub, NHS Genomic Medicine Service
Classification: Benign for Inherited breast cancer and ovarian cancer. Last evaluated: 2026-11-02. Review status: criteria provided, single submitter. Criteria: ACGS Best Practice Guidelines for Variant Classification in Rare Disease 2020. Collection method: clinical testing. Allele origin: germline. Affected: yes.
Comment: BS3_Moderate,BP4,BP5_Strong

Labcorp Genetics (formerly Invitae), Labcorp
Classification: Likely benign for Hereditary breast ovarian cancer syndrome. Last evaluated: 2025-10-26. Review status: criteria provided, single submitter. Criteria: Invitae Variant Classification Sherloc (09022015). Collection method: clinical testing. Allele origin: germline.

Women's Health and Genetics/Laboratory Corporation of America, LabCorp
Classification: Likely benign. Last evaluated: 2025-07-30. Review status: criteria provided, single submitter. Criteria: LabCorp Variant Classification Summary - May 2015. Collection method: clinical testing. Allele origin: germline.
Comment: Variant summary: BRCA2 c.8572C>A (p.Gln2858Lys) results in a conservative amino acid change located in the Tower domain (IPR015205) of the encoded protein sequence. Algorithms developed to predict the effect of missense changes on protein structure and function are either unavailable or do not agree on the potential impact of this missense change. The variant allele was found at a frequency of 4e-06 in 251230 control chromosomes. The available data on variant occurrences in the general population are insufficient to allow any conclusion about variant significance. c.8572C>A has been reported in the literature as a VUS in at-least one individual affected with Ovarian Cancer and no family history of breast/ovarian cancer in first degree relatives, who underwent analysis limited to BRCA1/2 genes (example, Sokolenko_2020). These report(s) do not provide unequivocal conclusions about association of the variant with Hereditary Breast And Ovarian Cancer Syndrome. To our knowledge, no experimental evidence demonstrating its impact on protein function have been reported. At-least two co-occurrences with other pathogenic variant(s) have been reported in the UMD database (BRCA2 c.9117G>A, p.Pro3039Pro; BRCA2 c.5909C>A, p.Ser1970*), providing supporting evidence for a benign role. At least one publication reports experimental evidence evaluating an impact on protein function and reports the variant as functional (Biswas_2023). The following publications have been ascertained in the context of this evaluation (PMID: 19043619, 20858050, 22632462, 25348012, 31112341, 32776218, 37922907, 36451132). ClinVar contains an entry for this variant (Variation ID: 52623). Based on the evidence outlined above, the variant was classified as likely benign.

All of Us Research Program, National Institutes of Health
Classification: Uncertain significance for BRCA2-related cancer predisposition. Last evaluated: 2024-05-30. Review status: criteria provided, single submitter. Criteria: ACMG Guidelines, 2015. Collection method: clinical testing. Allele origin: germline. Inheritance: Autosomal dominant inheritance. Observed: 4 variant alleles, 4 heterozygotes.
Comment: This missense variant replaces glutamine with lysine at codon 2858 of the BRCA2 protein. Computational prediction is inconclusive regarding the impact of this variant on protein structure and function. Functional studies have shown this variant does not impact BRCA2 function in a homology-directed DNA repair assay (PMID: 35736817), or cell viability and drug sensitivity in mouse embryonic stem cells (PMID: 37922907). This variant has been reported in individuals affected with breast cancer (PMID: 27153395, 33471991; Leiden Open Variation Database DB-ID BRCA2_000348) and in a multifactorial analysis with co-occurrence and family history likelihood ratios for pathogenicity of 1.102 and 0.1509, respectively (PMID: 31131967). This variant has been identified in 1/251230 chromosomes in the general population by the Genome Aggregation Database (gnomAD). The available evidence is insufficient to determine the role of this variant in disease conclusively. Therefore, this variant is classified as a Variant of Uncertain Significance.

This study involves interpretation of variants in research participants for the purpose of population health screening. Participant phenotype was not available at the time of variant classification. Additional details can be found in publication PMID: 35346344, PMCID: PMC8962531

Color Diagnostics, LLC DBA Color Health
Classification: Uncertain significance for Hereditary cancer-predisposing syndrome. Last evaluated: 2024-05-07. Review status: criteria provided, single submitter. Criteria: ACMG Guidelines, 2015. Collection method: clinical testing. Allele origin: germline.
Comment: This missense variant replaces glutamine with lysine at codon 2858 of the BRCA2 protein. Computational prediction is inconclusive regarding the impact of this variant on protein structure and function. Functional studies have shown this variant does not impact BRCA2 function in a homology-directed DNA repair assay (PMID: 35736817), or cell viability and drug sensitivity in mouse embryonic stem cells (PMID: 37922907). This variant has been reported in individuals affected with breast cancer (PMID: 27153395, 33471991; Leiden Open Variation Database DB-ID BRCA2_000348) and in a multifactorial analysis with co-occurrence and family history likelihood ratios for pathogenicity of 1.102 and 0.1509, respectively (PMID: 31131967). This variant has been identified in 1/251230 chromosomes in the general population by the Genome Aggregation Database (gnomAD). The available evidence is insufficient to determine the role of this variant in disease conclusively. Therefore, this variant is classified as a Variant of Uncertain Significance.

Baylor Genetics
Classification: Uncertain significance for Familial cancer of breast. Last evaluated: 2024-03-26. Review status: criteria provided, single submitter. Criteria: ACMG Guidelines, 2015. Collection method: clinical testing. Allele origin: unknown.

Quest Diagnostics Nichols Institute San Juan Capistrano
Classification: Likely benign. Last evaluated: 2023-03-17. Review status: criteria provided, single submitter. Criteria: Quest Diagnostics criteria. Collection method: clinical testing. Allele origin: unknown.

Ambry Genetics
Classification: Likely benign for Hereditary cancer-predisposing syndrome. Last evaluated: 2022-01-11. Review status: criteria provided, single submitter. Criteria: Ambry Variant Classification Scheme 2023. Collection method: clinical testing. Allele origin: germline.

GeneDx
Classification: Uncertain significance. Last evaluated: 2017-04-19. Review status: criteria provided, single submitter. Criteria: GeneDx Variant Classification (06012015). Collection method: clinical testing. Allele origin: germline. Affected: yes.
Comment: This variant is denoted BRCA2 c.8572C>A at the cDNA level, p.Gln2858Lys (Q2858K) at the protein level, and results in the change of a Glutamine to a Lysine (CAA>AAA). Using alternate nomenclature, this variant would be defined as BRCA2 8800C>A. This variant has not, to our knowledge, been published in the literature as pathogenic or benign. BRCA2 Gln2858Lys was not observed in large population cohorts (NHLBI Exome Sequencing Project, The 1000 Genomes Consortium 2015, Lek 2016). Since Glutamine and Lysine differ in some properties, this is considered a semi-conservative amino acid substitution. BRCA2 Gln2858Lys occurs at a position that is conserved in mammals and is located in the DNA binding domain (Yang 2002). In silico analyses are inconsistent regarding the effect this variant may have on protein structure and function. Based on currently available evidence, it is unclear whether BRCA2 Gln2858Lys is a pathogenic or benign variant. We consider it to be a variant of uncertain significance.

Counsyl
Classification: Uncertain significance for Breast-ovarian cancer, familial, susceptibility to, 2. Last evaluated: 2018-01-23. Review status: no assertion criteria provided. Collection method: clinical testing. Allele origin: unknown. Not counted in ClinVar's aggregate classification.

Breast Cancer Information Core (BIC) (BRCA2)
Classification: Uncertain significance for Breast-ovarian cancer, familial 2. Last evaluated: 2003-12-23. Review status: no assertion criteria provided. Collection method: clinical testing. Allele origin: germline. Affected: yes. Observed: 3 variant alleles. Not counted in ClinVar's aggregate classification.

Literature cited by the submitters: PubMed 19043619 (cited by Women's Health and Genetics/Laboratory Corporation of America, LabCorp and Quest Diagnostics Nichols Institute San Juan Capistrano); PubMed 20858050 (cited by 3 submitters); PubMed 22632462 (cited by Women's Health and Genetics/Laboratory Corporation of America, LabCorp and Quest Diagnostics Nichols Institute San Juan Capistrano); PubMed 25348012 (cited by Women's Health and Genetics/Laboratory Corporation of America, LabCorp); PubMed 31112341 (cited by Women's Health and Genetics/Laboratory Corporation of America, LabCorp and Quest Diagnostics Nichols Institute San Juan Capistrano); PubMed 32776218 (cited by Women's Health and Genetics/Laboratory Corporation of America, LabCorp and Quest Diagnostics Nichols Institute San Juan Capistrano); PubMed 36451132 (cited by Women's Health and Genetics/Laboratory Corporation of America, LabCorp); PubMed 37922907 (cited by 3 submitters); PubMed 27153395 (cited by 4 submitters); PubMed 31131967 (cited by 4 submitters); PubMed 33471991 (cited by 4 submitters); PubMed 35736817 (cited by 3 submitters); PubMed 29625052 (cited by Quest Diagnostics Nichols Institute San Juan Capistrano and Ambry Genetics); PubMed 20104584 (cited by Quest Diagnostics Nichols Institute San Juan Capistrano).